The following is an entry in ClinVar:

NM_014141.6(CNTNAP2):c.2699G>A (p.Arg900Gln)

Gene: CNTNAP2 (contactin associated protein 2; plus strand). Cytogenetic location: 7q35.
Variant type: single nucleotide variant.
Coding change: c.2699G>A on transcript NM_014141.6 (MANE Select); coding-DNA position 2699, G replaced by A.
Protein change: p.Arg900Gln; replaces arginine 900 with glutamine.
Molecular consequence: missense variant.
Genome position (GRCh38, 1-based): chr7:148,147,635, G>A. VCF-style: chr7-148147635-G-A. GRCh37 (hg19) VCF-style: chr7-147844727-G-A.
Other names: short protein forms R900Q.
Identifiers: ClinVar variation 653362 (VCV000653362.12), dbSNP rs374321266, ClinGen allele CA4546457.

ClinVar aggregate classification (germline): Conflicting classifications of pathogenicity. Review status: criteria provided, conflicting classifications (1 of 4 stars). 3 submissions from 3 submitters: Uncertain significance (2); Likely benign (1). Last evaluated 2026-04-01.

Conditions:
Inborn genetic diseases. Identifiers: MedGen C0950123, MeSH D030342.
Cortical dysplasia-focal epilepsy syndrome (PTHSL1). Also called: Pitt-Hopkins-like syndrome 1. Identifiers: Orphanet 163681, Orphanet 221150, MedGen C2750246, MONDO:0012400, OMIM 610042.

Allele frequency attached by ClinVar (database versions not stated): ExAC 0.00002; gnomAD 0.00002; gnomAD exomes 0.00003 and 0.00004; TOPMed 0.00003.
gnomAD v4.1: 48 of 1,613,916 alleles (0.003%); highest among the groups gnomAD compares: East Asian, 0.0067%; no homozygotes.

Submissions (3):

CeGaT Center for Human Genetics Tuebingen
Classification: Likely benign. Last evaluated: 2026-04-01. Review status: criteria provided, single submitter. Criteria: CeGaT Center For Human Genetics Tuebingen Variant Classification Criteria Version 2. Collection method: clinical testing. Allele origin: germline. Affected: yes. Observed: 1 variant allele.
Comment: CNTNAP2: BP4

Labcorp Genetics (formerly Invitae), Labcorp
Classification: Uncertain significance for Cortical dysplasia-focal epilepsy syndrome. Last evaluated: 2022-03-23. Review status: criteria provided, single submitter. Criteria: Invitae Variant Classification Sherloc (09022015). Collection method: clinical testing. Allele origin: germline.
Comment: This sequence change replaces arginine, which is basic and polar, with glutamine, which is neutral and polar, at codon 900 of the CNTNAP2 protein (p.Arg900Gln). This variant is present in population databases (rs374321266, gnomAD 0.007%). This variant has not been reported in the literature in individuals affected with CNTNAP2-related conditions. ClinVar contains an entry for this variant (Variation ID: 653362). Algorithms developed to predict the effect of missense changes on protein structure and function output the following: SIFT: "Tolerated"; PolyPhen-2: "Benign"; Align-GVGD: "Class C0". The glutamine amino acid residue is found in multiple mammalian species, which suggests that this missense change does not adversely affect protein function. In summary, the available evidence is currently insufficient to determine the role of this variant in disease. Therefore, it has been classified as a Variant of Uncertain Significance.

Ambry Genetics
Classification: Uncertain significance for Inborn genetic diseases. Last evaluated: 2019-12-06. Review status: criteria provided, single submitter. Criteria: Ambry Variant Classification Scheme 2023. Collection method: clinical testing. Allele origin: germline.
Comment: The p.R900Q variant (also known as c.2699G>A), located in coding exon 17 of the CNTNAP2 gene, results from a G to A substitution at nucleotide position 2699. The arginine at codon 900 is replaced by glutamine, an amino acid with highly similar properties. This amino acid position is not well conserved in available vertebrate species. In addition, this alteration is predicted to be tolerated by in silico analysis. Since supporting evidence is limited at this time, the clinical significance of this alteration remains unclear.